The following is an entry in ClinVar:

NM_183357.3(ADCY5):c.1145A>G (p.Asn382Ser)

Gene: ADCY5 (adenylate cyclase 5; minus strand). Cytogenetic location: 3q21.1.
Variant type: single nucleotide variant.
Coding change: c.1145A>G on transcript NM_183357.3 (MANE Select); coding-DNA position 1145, A replaced by G.
Protein change: p.Asn382Ser; replaces asparagine 382 with serine.
Molecular consequence: missense variant.
Genome position (GRCh38, 1-based): chr3:123,352,571, T>C on the plus strand (A>G on the coding strand, the complement: ADCY5 is on the minus strand). VCF-style: chr3-123352571-T-C. GRCh37 (hg19) VCF-style: chr3-123071418-T-C.
Other names: c.95A>G, p.Asn32Ser (NM_001199642.1); c.1145A>G, p.Asn382Ser (NM_001378259.1); short protein forms N32S, N382S.
Identifiers: ClinVar variation 4761236 (VCV004761236.1).

ClinVar aggregate classification (germline): Uncertain significance (1 of 4 stars; one submission).

gnomAD v4.1: 7 of 1,609,778 alleles (0.00043%); highest among the groups gnomAD compares: South Asian, 0.0044%; no homozygotes.

Submission:

Labcorp Genetics (formerly Invitae), Labcorp
Classification: Uncertain significance. Last evaluated: 2025-03-22. Review status: criteria provided, single submitter. Criteria: Invitae Variant Classification Sherloc (09022015). Collection method: clinical testing. Allele origin: germline.
Comment: This sequence change replaces asparagine, which is neutral and polar, with serine, which is neutral and polar, at codon 382 of the ADCY5 protein (p.Asn382Ser). This variant is present in population databases (rs770886606, gnomAD 0.007%). This variant has not been reported in the literature in individuals affected with ADCY5-related conditions. Invitae Evidence Modeling of protein sequence and biophysical properties (such as structural, functional, and spatial information, amino acid conservation, physicochemical variation, residue mobility, and thermodynamic stability) has been performed for this missense variant. However, the output from this modeling did not meet the statistical confidence thresholds required to predict the impact of this variant on ADCY5 protein function. In summary, the available evidence is currently insufficient to determine the role of this variant in disease. Therefore, it has been classified as a Variant of Uncertain Significance.